The following is an entry in ClinVar:

ClinVar aggregate classification (germline): Pathogenic/Likely pathogenic. Review status: criteria provided, multiple submitters, no conflicts (2 of 4 stars). 2 submissions from 2 submitters: Pathogenic (1); Likely pathogenic (1). Last evaluated 2024-10-04.

Conditions:
Oculocutaneous albinism type 1A (OCA1A). Also called: Albinism, oculocutaneous, type IA. Identifiers: Orphanet 352731, Orphanet 79431, MedGen C4551504, MONDO:0008745, OMIM 203100. Disease mechanism: loss of function.
Oculocutaneous albinism type 1B (OCA1B). Also called: ALBINISM, YELLOW MUTANT TYPE; ALBINISM, OCULOCUTANEOUS, TYPE IB; YELLOW ALBINISM. Identifiers: Orphanet 352731, Orphanet 352737, Orphanet 79434, MedGen C1847024, MONDO:0011749, OMIM 606952.
SKIN/HAIR/EYE PIGMENTATION 3, LIGHT/DARK SKIN (SHEP3). Also called: EYE COLOR 1; EYE COLOR, GREEN/BLUE; SKIN/HAIR/EYE PIGMENTATION, VARIATION IN, 3; SKIN/HAIR/EYE PIGMENTATION 3, BLUE/GREEN EYE COLOR; SKIN/HAIR/EYE PIGMENTATION 3, FRECKLING. Identifiers: MedGen C2677190, OMIM 601800.

Allele frequency attached by ClinVar (database versions not stated): gnomAD 0.00001; TOPMed 0.00001.

Submissions (2):

Labcorp Genetics (formerly Invitae), Labcorp
Classification: Pathogenic. Last evaluated: 2024-10-04. Review status: criteria provided, single submitter. Criteria: Invitae Variant Classification Sherloc (09022015). Collection method: clinical testing. Allele origin: germline.
Comment: This sequence change creates a premature translational stop signal (p.Ile233Phefs*86) in the TYR gene. It is expected to result in an absent or disrupted protein product. Loss-of-function variants in TYR are known to be pathogenic (PMID: 23504663). This variant is not present in population databases (gnomAD no frequency). This variant has not been reported in the literature in individuals affected with TYR-related conditions. For these reasons, this variant has been classified as Pathogenic.

Fulgent Genetics
Classification: Likely pathogenic for Oculocutaneous albinism type 1A; SKIN/HAIR/EYE PIGMENTATION 3, LIGHT/DARK SKIN; Oculocutaneous albinism type 1B. Last evaluated: 2024-02-26. Review status: criteria provided, single submitter. Criteria: ACMG Guidelines, 2015. Collection method: clinical testing. Allele origin: germline.

Literature cited by the submitters: PubMed 23504663 (cited by Labcorp Genetics (formerly Invitae), Labcorp).

NM_000372.5(TYR):c.696del (p.Ile233fs)

Gene: TYR (tyrosinase; plus strand). Cytogenetic location: 11q14.3.
Variant type: Deletion.
Coding change: c.696del on transcript NM_000372.5 (MANE Select); coding-DNA position 696, one base deleted (T; older notation c.696delT).
Protein change: p.Ile233fs; shifts the reading frame from isoleucine 233.
Molecular consequence: frameshift variant.
Genome position (GRCh38, 1-based): chr11:89,178,649, T deleted. VCF-style (leftmost placement, unchanged base first): chr11-89178648-CT-C. GRCh37 (hg19) VCF-style: chr11-88911816-CT-C.
Other names: short protein forms I233fs.
Identifiers: ClinVar variation 3000471 (VCV003000471.4), dbSNP rs1176150416, ClinGen allele CA681559363.
Genomic context (GRCh38, chr11:89,178,648, plus strand): 5'-GACTCTTCTTGTTGCGGTGGGAACAAGAAATCCAGAAGCTGACAGGAGATGAAAACTTCA[CT>C]ATTCCATATTGGGACTGGCGGGATGCAGAAAAGTGTGACATTTGCACAGATGAGTACATG-3'